The following is an entry in ClinVar:

NM_006204.4(PDE6C):c.57T>G (p.Phe19Leu)

Gene: PDE6C (phosphodiesterase 6C; plus strand). Cytogenetic location: 10q23.33.
Variant type: single nucleotide variant.
Coding change: c.57T>G on transcript NM_006204.4 (MANE Select); coding-DNA position 57, T replaced by G.
Protein change: p.Phe19Leu; replaces phenylalanine 19 with leucine.
Molecular consequence: missense variant.
Genome position (GRCh38, 1-based): chr10:93,612,782, T>G. VCF-style: chr10-93612782-T-G. GRCh37 (hg19) VCF-style: chr10-95372539-T-G.
Other names: c.57T>G (NM_006204.3); short protein forms F19L.
Identifiers: ClinVar variation 1915873 (VCV001915873.3), dbSNP rs145053431, ClinGen allele CA5609756.

ClinVar aggregate classification (germline): Uncertain significance. Review status: criteria provided, multiple submitters, no conflicts (2 of 4 stars). 2 submissions from 2 submitters: Uncertain significance (2). Last evaluated 2025-11-07.

Conditions:
Inborn genetic diseases. Identifiers: MedGen C0950123, MeSH D030342.

Allele frequency attached by ClinVar (database versions not stated): ExAC 0.00002; ESP Exome Variant Server 0.00015; gnomAD exomes 0.00001; TOPMed 0.00002; gnomAD 0.00001.
gnomAD v4.1: 14 of 1,614,034 alleles (0.00087%); highest among the groups gnomAD compares: Non-Finnish European, 0.0012%; no homozygotes.

Submissions (2):

Ambry Genetics
Classification: Uncertain significance for Inborn genetic diseases. Last evaluated: 2025-11-07. Review status: criteria provided, single submitter. Criteria: Ambry Variant Classification Scheme 2023. Collection method: clinical testing. Allele origin: germline.

Labcorp Genetics (formerly Invitae), Labcorp
Classification: Uncertain significance. Last evaluated: 2022-08-05. Review status: criteria provided, single submitter. Criteria: Invitae Variant Classification Sherloc (09022015). Collection method: clinical testing. Allele origin: germline.
Comment: This sequence change replaces phenylalanine, which is neutral and non-polar, with leucine, which is neutral and non-polar, at codon 19 of the PDE6C protein (p.Phe19Leu). This variant is present in population databases (rs145053431, gnomAD 0.004%). This variant has not been reported in the literature in individuals affected with PDE6C-related conditions. Algorithms developed to predict the effect of missense changes on protein structure and function are either unavailable or do not agree on the potential impact of this missense change (SIFT: "Tolerated"; PolyPhen-2: "Possibly Damaging"; Align-GVGD: "Class C0"). In summary, the available evidence is currently insufficient to determine the role of this variant in disease. Therefore, it has been classified as a Variant of Uncertain Significance.